The following is an entry in ClinVar:

NM_021629.4(GNB4):c.58-14dup

Gene: GNB4 (G protein subunit beta 4; minus strand). Cytogenetic location: 3q26.33.
Variant type: Duplication.
Coding change: c.58-14dup on transcript NM_021629.4 (MANE Select); 14 bases into the intron before coding-DNA position 58, one base duplicated (T; older notation c.58-14dupT).
Molecular consequence: intron variant.
Genome position (GRCh38, 1-based): chr3:179,420,935, A duplicated on the plus strand (T on the coding strand, the reverse complement: GNB4 is on the minus strand); the first of 7 consecutive A bases (chr3:179,420,935-179,420,941); duplicating any one gives the same sequence. VCF-style (leftmost placement, unchanged base first): chr3-179420934-T-TA. GRCh37 (hg19) VCF-style: chr3-179138722-T-TA.
Other names: p.?; c.58-8dupT (NM_021629.3); c.58-8dup (NM_021629.4).
Identifiers: ClinVar variation 414881 (VCV000414881.24), dbSNP rs112500963, ClinGen allele CA2712610.
Genomic context (GRCh38, chr3:179,420,934, plus strand): 5'-AAAACAAAACTTTACCTGAACAAGCGTTGCATCATTACATGCTTTCCGAGCATCCTGAAG[T>TA]AAAAAAATATGATTATAATGCATTTAGCAACCTGTGGAATGACTAAAGTGATACTTTTAT-3'

ClinVar aggregate classification (germline): Benign. Review status: criteria provided, multiple submitters, no conflicts (2 of 4 stars). 5 submissions from 5 submitters: Benign (4). 1 of the submissions does not count toward it. Last evaluated 2026-01-28.

Conditions:
Charcot-Marie-Tooth disease dominant intermediate F. Identifiers: Orphanet 352670, MedGen C4749463, MONDO:0014074, OMIM 615185.
GNB4-related disorder. Also called: GNB4-related condition.

Submissions (5):

Labcorp Genetics (formerly Invitae), Labcorp
Classification: Benign for Charcot-Marie-Tooth disease dominant intermediate F. Last evaluated: 2026-01-28. Review status: criteria provided, single submitter. Criteria: Invitae Variant Classification Sherloc (09022015). Collection method: clinical testing. Allele origin: germline.

ARUP Laboratories, Molecular Genetics and Genomics, ARUP Laboratories
Classification: Benign for Charcot-Marie-Tooth disease dominant intermediate F. Last evaluated: 2025-07-17. Review status: criteria provided, single submitter. Criteria: ARUP Molecular Germline Variant Investigation Process 2024. Collection method: clinical testing. Allele origin: germline.

GeneDx
Classification: Benign. Last evaluated: 2018-07-05. Review status: criteria provided, single submitter. Criteria: GeneDx Variant Classification Process June 2021. Collection method: clinical testing. Allele origin: germline. Affected: yes.

Mayo Clinic Laboratories, Mayo Clinic
Classification: Benign. Last evaluated: 2016-11-17. Review status: criteria provided, single submitter. Criteria: ACMG Guidelines, 2015. Collection method: clinical testing. Allele origin: germline. Observed: 17 variant alleles.

PreventionGenetics, part of Exact Sciences
Classification: Benign for GNB4-related condition. Last evaluated: 2019-11-20. Review status: no assertion criteria provided. Collection method: clinical testing. Allele origin: germline. Not counted in ClinVar's aggregate classification.
Comment: This variant is classified as benign based on ACMG/AMP sequence variant interpretation guidelines (Richards et al. 2015 PMID: 25741868, with internal and published modifications).